The following is an entry in ClinVar:

ClinVar aggregate classification (germline): Benign/Likely benign. Review status: criteria provided, multiple submitters, no conflicts (2 of 4 stars). 3 submissions from 3 submitters: Benign (1); Likely benign (2). Last evaluated 2025-12-08.

Conditions:
Charcot-Marie-Tooth disease type 2. Also called: Charcot-Marie-Tooth type 2. Identifiers: Orphanet 64746, MedGen C0270914, MONDO:0018993.
Neuroblastoma (NB). Identifiers: Orphanet 635, MedGen C0027819, MeSH D009447, MONDO:0005072, HP:0003006.

Allele frequency attached by ClinVar (database versions not stated): gnomAD below 0.00001 and 0.00002; gnomAD exomes 0.00010 and 0.00005; TOPMed 0.00001; ExAC 0.00011.
gnomAD v4.1: 75 of 1,614,048 alleles (0.0046%); highest among the groups gnomAD compares: South Asian, 0.079%; 2 homozygotes.

Submissions (3):

Labcorp Genetics (formerly Invitae), Labcorp
Classification: Likely benign for Charcot-Marie-Tooth disease type 2. Last evaluated: 2025-12-08. Review status: criteria provided, single submitter. Criteria: Invitae Variant Classification Sherloc (09022015). Collection method: clinical testing. Allele origin: germline.

Ambry Genetics
Classification: Benign. Last evaluated: 2021-10-01. Review status: criteria provided, single submitter. Criteria: Ambry Variant Classification Scheme 2023. Collection method: clinical testing. Allele origin: germline.

Illumina Laboratory Services, Illumina
Classification: Likely benign for Neuroblastoma. Last evaluated: 2018-01-12. Review status: criteria provided, single submitter. Criteria: ICSL Variant Classification Criteria 13 December 2019. Collection method: clinical testing. Allele origin: germline.
Comment: This variant was observed in the ICSL laboratory as part of a predisposition screen in an ostensibly healthy population. It had not been previously curated by ICSL or reported in the Human Gene Mutation Database (HGMD: prior to June 1st, 2018), and was therefore a candidate for classification through an automated scoring system. Utilizing variant allele frequency, disease prevalence and penetrance estimates, and inheritance mode, an automated score was calculated to assess if this variant is too frequent to cause the disease. Based on the score and internal cut-off values, a variant classified as likely benign is not then subjected to further curation. The score for this variant resulted in a classification of likely benign for this disease.

NM_001365951.3(KIF1B):c.4977T>C (p.Ser1659=)

Gene: KIF1B (kinesin family member 1B; plus strand). Cytogenetic location: 1p36.22.
Variant type: single nucleotide variant.
Coding change: c.4977T>C on transcript NM_001365951.3 (MANE Select); coding-DNA position 4977, T replaced by C.
Protein change: p.Ser1659=; no amino-acid change (serine 1659 retained).
Molecular consequence: synonymous variant.
Genome position (GRCh38, 1-based): chr1:10,374,346, T>C. VCF-style: chr1-10374346-T-C. GRCh37 (hg19) VCF-style: chr1-10434404-T-C.
Other names: c.4977T>C, p.Ser1659= (NM_001365952.1); c.4839T>C, p.Ser1613= (NM_015074.3).
Identifiers: ClinVar variation 215883 (VCV000215883.13), dbSNP rs778240671, ClinGen allele CA339049.